The following is an entry in ClinVar:

NM_005898.5(CAPRIN1):c.1554+2T>C

Gene: CAPRIN1 (cell cycle associated protein 1; plus strand). Cytogenetic location: 11p13.
Variant type: single nucleotide variant.
Coding change: c.1554+2T>C on transcript NM_005898.5 (MANE Select); the canonical splice donor site of the intron after coding-DNA position 1554, T replaced by C.
Molecular consequence: splice donor variant.
Genome position (GRCh38, 1-based): chr11:34,090,680, T>C. VCF-style: chr11-34090680-T-C. GRCh37 (hg19) VCF-style: chr11-34112227-T-C.
Other names: c.1554+2T>C (NM_203364.3).
Identifiers: ClinVar variation 2691865 (VCV002691865.3), dbSNP rs2496097840, ClinGen allele CA380030654.

ClinVar aggregate classification (germline): Uncertain significance (1 of 4 stars; one submission).

Conditions:
Neurodegeneration, childhood-onset, with cerebellar ataxia and cognitive decline (CONDCAC). Identifiers: MedGen C5882726, MONDO:0957985, OMIM 620636.

Submission:

Institute of Human Genetics, University of Leipzig Medical Center
Classification: Uncertain significance for Neurodegeneration, childhood-onset, with cerebellar ataxia and cognitive decline. Last evaluated: 2023-12-12. Review status: criteria provided, single submitter. Criteria: ACMG Guidelines, 2015. Collection method: clinical testing. Allele origin: maternal. Inheritance: Autosomal dominant inheritance. Affected: yes.
Comment: Criteria applied: PVS1_STR,PM2_SUP